The following is an entry in ClinVar:

NM_000824.5(GLRB):c.500G>A (p.Arg167His)

Gene: GLRB (glycine receptor beta; plus strand). Cytogenetic location: 4q32.1.
Variant type: single nucleotide variant.
Coding change: c.500G>A on transcript NM_000824.5 (MANE Select); coding-DNA position 500, G replaced by A.
Protein change: p.Arg167His; replaces arginine 167 with histidine.
Molecular consequence: missense variant.
Genome position (GRCh38, 1-based): chr4:157,136,671, G>A. VCF-style: chr4-157136671-G-A. GRCh37 (hg19) VCF-style: chr4-158057823-G-A.
Other names: c.500G>A, p.Arg167His (NM_001166060.2, NM_001166061.2); short protein forms R167H.
Identifiers: ClinVar variation 1426434 (VCV001426434.3), dbSNP rs200253694, ClinGen allele CA3119768.
Genomic context (GRCh38, chr4:157,136,671, plus strand): 5'-ATGAAAAAAGTGCCAATTTTCATGATGTGACCCAGGAAAACATCCTCCTCTTTATTTTTC[G>A]TGATGGAGATGTCCTTGTCAGCATGAGGTACTCTTTTATATTTCATATTTGTGCATTTAT-3'
Protein context (NP_000815.1, residues 157-177): TQENILLFIF[Arg167His]DGDVLVSMRL

ClinVar aggregate classification (germline): Uncertain significance (1 of 4 stars; one submission).

Conditions:
Hyperekplexia 2 (HKPX2). Identifiers: Orphanet 3197, MedGen C3553291, MONDO:0013828, OMIM 614619.

Allele frequency attached by ClinVar (database versions not stated): ESP Exome Variant Server 0.00008; gnomAD 0.00009; 1000 Genomes Project 30x 0.00031.
gnomAD v4.1: 109 of 1,609,432 alleles (0.0068%); highest among the groups gnomAD compares: South Asian, 0.035%; no homozygotes.

Submission:

Labcorp Genetics (formerly Invitae), Labcorp
Classification: Uncertain significance for Hyperekplexia 2. Last evaluated: 2022-04-29. Review status: criteria provided, single submitter. Criteria: Invitae Variant Classification Sherloc (09022015). Collection method: clinical testing. Allele origin: germline.
Comment: This sequence change replaces arginine, which is basic and polar, with histidine, which is basic and polar, at codon 167 of the GLRB protein (p.Arg167His). This variant is present in population databases (rs200253694, gnomAD 0.04%). This variant has not been reported in the literature in individuals affected with GLRB-related conditions. Advanced modeling of protein sequence and biophysical properties (such as structural, functional, and spatial information, amino acid conservation, physicochemical variation, residue mobility, and thermodynamic stability) performed at Invitae indicates that this missense variant is not expected to disrupt GLRB protein function. In summary, the available evidence is currently insufficient to determine the role of this variant in disease. Therefore, it has been classified as a Variant of Uncertain Significance.